The following is an entry in ClinVar:

NM_182914.3(SYNE2):c.9974C>T (p.Ala3325Val)

Gene: SYNE2 (spectrin repeat containing nuclear envelope protein 2; plus strand). Cytogenetic location: 14q23.2.
Variant type: single nucleotide variant.
Coding change: c.9974C>T on transcript NM_182914.3 (MANE Select); coding-DNA position 9974, C replaced by T.
Protein change: p.Ala3325Val; replaces alanine 3325 with valine.
Molecular consequence: missense variant.
Genome position (GRCh38, 1-based): chr14:64,056,173, C>T. VCF-style: chr14-64056173-C-T. GRCh37 (hg19) VCF-style: chr14-64522891-C-T.
Other names: c.9974C>T, p.Ala3325Val (NM_015180.6); short protein forms A3325V.
Identifiers: ClinVar variation 283062 (VCV000283062.18), dbSNP rs377173620, ClinGen allele CA7221384.
Genomic context (GRCh38, chr14:64,056,173, plus strand): 5'-CCACAGTAGCACACATCCAGGACCTCACTGAGAAACTGGGAATGATATCCAGCCCCGAAG[C>T]CAAACTACAACTTCAGTATACTTTACAGGAACTAGTTTCTAAGAACTCAGCAATGAAGGA-3'
Protein context (NP_878918.2, residues 3315-3335): EKLGMISSPE[Ala3325Val]KLQLQYTLQE

ClinVar aggregate classification (germline): Benign/Likely benign. Review status: criteria provided, multiple submitters, no conflicts (2 of 4 stars). 4 submissions from 4 submitters: Benign (3); Likely benign (1). Last evaluated 2025-11-09.

Conditions:
Emery-Dreifuss muscular dystrophy 5, autosomal dominant (EDMD5). Also called: EMERY-DREIFUSS MUSCULAR DYSTROPHY 5. Identifiers: Orphanet 261, MedGen C2751805, MONDO:0013072, OMIM 612999.

Allele frequency attached by ClinVar (database versions not stated): gnomAD 0.00001 and 0.00020; ESP Exome Variant Server 0.00008; gnomAD exomes 0.00100; ExAC 0.00119; 1000 Genomes Project 30x 0.00125; 1000 Genomes Project 0.00160.
gnomAD v4.1: 728 of 1,614,084 alleles (0.045%); highest among the groups gnomAD compares: South Asian, 0.76%; 10 homozygotes.

Submissions (4):

Labcorp Genetics (formerly Invitae), Labcorp
Classification: Benign for Emery-Dreifuss muscular dystrophy 5, autosomal dominant. Last evaluated: 2025-11-09. Review status: criteria provided, single submitter. Criteria: Invitae Variant Classification Sherloc (09022015). Collection method: clinical testing. Allele origin: germline.

Department of Pathology and Laboratory Medicine, Sinai Health System
Classification: Likely benign for Emery-Dreifuss muscular dystrophy 5, autosomal dominant. Last evaluated: 2022-06-14. Review status: criteria provided, single submitter. Criteria: ACMG Guidelines, 2015. Collection method: research. Allele origin: germline.

Illumina Laboratory Services, Illumina
Classification: Benign for Emery-Dreifuss muscular dystrophy 5, autosomal dominant. Last evaluated: 2018-01-13. Review status: criteria provided, single submitter. Criteria: ICSL Variant Classification Criteria 13 December 2019. Collection method: clinical testing. Allele origin: germline.
Comment: This variant was observed in the ICSL laboratory as part of a predisposition screen in an ostensibly healthy population. It had not been previously curated by ICSL or reported in the Human Gene Mutation Database (HGMD: prior to June 1st, 2018), and was therefore a candidate for classification through an automated scoring system. Utilizing variant allele frequency, disease prevalence and penetrance estimates, and inheritance mode, an automated score was calculated to assess if this variant is too frequent to cause the disease. Based on the score and internal cut-off values, a variant classified as benign is not then subjected to further curation. The score for this variant resulted in a classification of benign for this disease.

Eurofins Ntd Llc (ga)
Classification: Benign. Last evaluated: 2015-09-03. Review status: criteria provided, single submitter. Criteria: EGL Classification Definitions 2015. Collection method: clinical testing. Allele origin: germline. Observed: 1 variant allele, 1 heterozygote.